The following is an entry in ClinVar:

NM_004104.5(FASN):c.7102A>G (p.Ile2368Val)

Gene: FASN (fatty acid synthase; minus strand). Cytogenetic location: 17q25.3.
Variant type: single nucleotide variant.
Coding change: c.7102A>G on transcript NM_004104.5 (MANE Select); coding-DNA position 7102, A replaced by G.
Protein change: p.Ile2368Val; replaces isoleucine 2368 with valine.
Molecular consequence: missense variant.
Genome position (GRCh38, 1-based): chr17:82,080,184, T>C on the plus strand (A>G on the coding strand, the complement: FASN is on the minus strand). VCF-style: chr17-82080184-T-C. GRCh37 (hg19) VCF-style: chr17-80038060-T-C.
Other names: short protein forms I2368V.
Identifiers: ClinVar variation 2595073 (VCV002595073.4), dbSNP rs1379750290, ClinGen allele CA401597383.

ClinVar aggregate classification (germline): Uncertain significance. Review status: criteria provided, multiple submitters, no conflicts (2 of 4 stars). 2 submissions from 2 submitters: Uncertain significance (2). Last evaluated 2024-09-16.

Conditions:
Epileptic encephalopathy. Identifiers: MedGen C0543888, HP:0200134.

Allele frequency attached by ClinVar (database versions not stated): gnomAD 0.00001; gnomAD exomes 0.00001.
gnomAD v4.1: 22 of 1,613,096 alleles (0.0014%); highest among the groups gnomAD compares: Non-Finnish European, 0.0019%; no homozygotes.

Submissions (2):

Labcorp Genetics (formerly Invitae), Labcorp
Classification: Uncertain significance for Epileptic encephalopathy. Last evaluated: 2024-09-16. Review status: criteria provided, single submitter. Criteria: Invitae Variant Classification Sherloc (09022015). Collection method: clinical testing. Allele origin: germline.
Comment: This sequence change replaces isoleucine, which is neutral and non-polar, with valine, which is neutral and non-polar, at codon 2368 of the FASN protein (p.Ile2368Val). This variant is present in population databases (no rsID available, gnomAD 0.003%). This variant has not been reported in the literature in individuals affected with FASN-related conditions. ClinVar contains an entry for this variant (Variation ID: 2595073). An algorithm developed to predict the effect of missense changes on protein structure and function outputs the following: PolyPhen-2: "Benign". The valine amino acid residue is found in multiple mammalian species, which suggests that this missense change does not adversely affect protein function. In summary, the available evidence is currently insufficient to determine the role of this variant in disease. Therefore, it has been classified as a Variant of Uncertain Significance.

Ambry Genetics
Classification: Uncertain significance. Last evaluated: 2023-09-13. Review status: criteria provided, single submitter. Criteria: Ambry Variant Classification Scheme 2023. Collection method: clinical testing. Allele origin: germline.